The following is an entry in ClinVar:

NM_020770.3(CGN):c.31C>T (p.Arg11Trp)

Gene: CGN (cingulin; plus strand). Cytogenetic location: 1q21.3.
Variant type: single nucleotide variant.
Coding change: c.31C>T on transcript NM_020770.3 (MANE Select); coding-DNA position 31, C replaced by T.
Protein change: p.Arg11Trp; replaces arginine 11 with tryptophan.
Molecular consequence: missense variant.
Genome position (GRCh38, 1-based): chr1:151,518,550, C>T. VCF-style: chr1-151518550-C-T. GRCh37 (hg19) VCF-style: chr1-151491026-C-T.
Other names: short protein forms R11W.
Identifiers: ClinVar variation 730505 (VCV000730505.28), dbSNP rs144766457, ClinGen allele CA1091759.

ClinVar aggregate classification (germline): Likely benign. Review status: criteria provided, multiple submitters, no conflicts (2 of 4 stars). 3 submissions from 3 submitters: Likely benign (3). Last evaluated 2023-03-01.

Allele frequency attached by ClinVar (database versions not stated): 1000 Genomes Project 0.00060; 1000 Genomes Project 30x 0.00062; gnomAD exomes 0.00163 and 0.00275; ESP Exome Variant Server 0.00185; gnomAD 0.00192 and 0.00196; TOPMed 0.00224; ExAC 0.00284.
gnomAD v4.1: 2,815 of 1,610,464 alleles (0.17%); highest among the groups gnomAD compares: Middle Eastern, 1.9%; 31 homozygotes.

Submissions (3):

CeGaT Center for Human Genetics Tuebingen
Classification: Likely benign. Last evaluated: 2023-03-01. Review status: criteria provided, single submitter. Criteria: CeGaT Center For Human Genetics Tuebingen Variant Classification Criteria Version 2. Collection method: clinical testing. Allele origin: germline. Affected: yes. Observed: 2 variant alleles.
Comment: CGN: BP4, BS2

Labcorp Genetics (formerly Invitae), Labcorp
Classification: Likely benign. Last evaluated: 2018-05-24. Review status: criteria provided, single submitter. Criteria: Invitae Variant Classification Sherloc (09022015). Collection method: clinical testing. Allele origin: germline.

Breakthrough Genomics
Classification: Likely benign. Review status: criteria provided, single submitter. Criteria: ACMG Guidelines, 2015. Collection method: not provided. Allele origin: germline. Inheritance: Unknown mechanism. Affected: yes.